The following is an entry in ClinVar:

ClinVar aggregate classification (germline): Uncertain significance (1 of 4 stars; one submission).

Conditions:
Drash syndrome (DDS). Also called: NEPHROPATHY, WILMS TUMOR, AND GENITAL ANOMALIES; WILMS TUMOR AND PSEUDO- OR TRUE HERMAPHRODITISM. Identifiers: Orphanet 220, MedGen C0950121, MONDO:0008682, OMIM 194080.
Frasier syndrome. Identifiers: Orphanet 347, MedGen C0950122, MeSH D052159, MONDO:0007635, OMIM 136680.
Wilms tumor 1 (WT1). Also called: Wilms tumor, somatic. Identifiers: Orphanet 654, MedGen CN033288, MONDO:0008679, OMIM 194070.
11p partial monosomy syndrome (WAGR). Also called: WAGR Complex; WAGR Spectrum Disorder; WAGR syndrome; CHROMOSOME 11p13 DELETION SYNDROME. Identifiers: Orphanet 893, MedGen C0206115, MONDO:0008681, OMIM 194072.

Submission:

Labcorp Genetics (formerly Invitae), Labcorp
Classification: Uncertain significance for Wilms tumor 1; Drash syndrome; 11p partial monosomy syndrome; Frasier syndrome. Last evaluated: 2020-08-14. Review status: criteria provided, single submitter. Criteria: Invitae Variant Classification Sherloc (09022015). Collection method: clinical testing. Allele origin: germline.
Comment: The frequency data for this variant in the population databases is considered unreliable, as metrics indicate insufficient coverage at this position in the ExAC database. In summary, the available evidence is currently insufficient to determine the role of this variant in disease. Therefore, it has been classified as a Variant of Uncertain Significance. Algorithms developed to predict the effect of missense changes on protein structure and function output the following: SIFT: "Deleterious"; PolyPhen-2: "Possibly Damaging"; Align-GVGD: "Class C0". The leucine amino acid residue is found in multiple mammalian species, suggesting that this missense change does not adversely affect protein function. These predictions have not been confirmed by published functional studies and their clinical significance is uncertain. This variant has not been reported in the literature in individuals with WT1-related conditions. This sequence change replaces proline with leucine at codon 10 of the WT1 protein (p.Pro10Leu). The proline residue is weakly conserved and there is a moderate physicochemical difference between proline and leucine.

NM_024426.6(WT1):c.44C>T (p.Pro15Leu)

Genes: WT1 (WT1 transcription factor; minus strand), LOC107982234 (WT1/WT1-AS bi-directional promoter region; plus strand). Cytogenetic location: 11p13.
Variant type: single nucleotide variant.
Coding change: c.44C>T on transcript NM_024426.6 (MANE Select); coding-DNA position 44, C replaced by T.
Protein change: p.Pro15Leu; replaces proline 15 with leucine.
Molecular consequence: missense variant. On other transcripts: non-coding transcript variant (1).
Genome position (GRCh38, 1-based): chr11:32,435,317, G>A on the plus strand (C>T on the coding strand, the complement: WT1 is on the minus strand). VCF-style: chr11-32435317-G-A. GRCh37 (hg19) VCF-style: chr11-32456863-G-A.
Other names: c.44C>T, p.Pro15Leu (NM_000378.6, NM_024424.5); short protein forms P15L.
Identifiers: ClinVar variation 1063197 (VCV001063197.9), dbSNP rs2133107749, ClinGen allele CA379966504.
Genomic context (GRCh38, chr11:32,435,317, plus strand): 5'-TGCTCTGGCTGCTGTAGGCACCCAGGCCCGGAGCGGAGCGTGTGCTGAGACGCCGGCTCC[G>A]GGACACACGTGGAAGCCGGGTCCTGCAGCAAGAGGAAGTCCAGGATCGCGGCGAGGAGAC-3'
Protein context (NP_077744.4, residues 5-25): LLQDPASTCV[Pro15Leu]EPASQHTLRS